The following is an entry in ClinVar:

NM_000038.6(APC):c.7481C>G (p.Ser2494Cys)

Gene: APC (APC regulator of Wnt signaling pathway; plus strand). Cytogenetic location: 5q22.2.
Variant type: single nucleotide variant.
Coding change: c.7481C>G on transcript NM_000038.6 (MANE Select); coding-DNA position 7481, C replaced by G.
Protein change: p.Ser2494Cys; replaces serine 2494 with cysteine.
Molecular consequence: missense variant.
Genome position (GRCh38, 1-based): chr5:112,843,075, C>G. VCF-style: chr5-112843075-C-G. GRCh37 (hg19) VCF-style: chr5-112178772-C-G.
Other names: c.7481C>G, p.Ser2494Cys (NM_001127510.3, NM_001354895.2); c.7427C>G, p.Ser2476Cys (NM_001127511.3); c.7535C>G, p.Ser2512Cys (NM_001354896.2); c.7511C>G, p.Ser2504Cys (NM_001354897.2); c.7406C>G, p.Ser2469Cys (NM_001354898.2); c.7397C>G, p.Ser2466Cys (NM_001354899.2); c.7358C>G, p.Ser2453Cys (NM_001354900.2); c.7304C>G, p.Ser2435Cys (NM_001354901.2); and 5 more; short protein forms S2466C, S2476C, S2512C, S2368C, S2393C, S2403C, S2435C, S2453C.
Identifiers: ClinVar variation 643692 (VCV000643692.14), dbSNP rs1580683136, ClinGen allele CA16037604.
Genomic context (GRCh38, chr5:112,843,075, plus strand): 5'-CCACTAGGTCCCAGGCACAAACTCCAGTTTTAAGTCCTTCCCTTCCTGATATGTCTCTAT[C>G]CACACATTCGTCTGTTCAGGCTGGTGGATGGCGAAAACTCCCACCTAATCTCAGTCCCAC-3'
Protein context (NP_000029.2, residues 2484-2504): LSPSLPDMSL[Ser2494Cys]THSSVQAGGW

ClinVar aggregate classification (germline): Uncertain significance. Review status: criteria provided, multiple submitters, no conflicts (2 of 4 stars). 2 submissions from 2 submitters: Uncertain significance (2). Last evaluated 2022-01-11.

Conditions:
Hereditary cancer-predisposing syndrome. Also called: Neoplastic Syndromes, Hereditary; Tumor predisposition; Hereditary neoplastic syndrome; Hereditary Cancer Syndrome. Identifiers: Orphanet 140162, MedGen C0027672, MeSH D009386, MONDO:0015356.
Familial adenomatous polyposis 1 (FAP1). Also called: FAMILIAL ADENOMATOUS POLYPOSIS 1, ATTENUATED; POLYPOSIS, ADENOMATOUS INTESTINAL. Identifiers: MedGen C2713442, MONDO:0021056, OMIM 175100. Disease mechanism: loss of function.

Submissions (2):

Ambry Genetics
Classification: Uncertain significance for Hereditary cancer-predisposing syndrome. Last evaluated: 2022-01-11. Review status: criteria provided, single submitter. Criteria: Ambry Variant Classification Scheme 2023. Collection method: clinical testing. Allele origin: germline.
Comment: The p.S2494C variant (also known as c.7481C>G), located in coding exon 15 of the APC gene, results from a C to G substitution at nucleotide position 7481. The serine at codon 2494 is replaced by cysteine, an amino acid with dissimilar properties. This amino acid position is well conserved in available vertebrate species. In addition, in silico predictors for this gene do not accurately predict pathogenicity. Since supporting evidence is limited at this time, the clinical significance of this alteration remains unclear.

Labcorp Genetics (formerly Invitae), Labcorp
Classification: Uncertain significance for Familial adenomatous polyposis 1. Last evaluated: 2021-03-02. Review status: criteria provided, single submitter. Criteria: Invitae Variant Classification Sherloc (09022015). Collection method: clinical testing. Allele origin: germline.
Comment: This sequence change replaces serine with cysteine at codon 2494 of the APC protein (p.Ser2494Cys). The serine residue is highly conserved and there is a moderate physicochemical difference between serine and cysteine. This variant is not present in population databases (ExAC no frequency). This variant has not been reported in the literature in individuals with APC-related disease. Algorithms developed to predict the effect of missense changes on protein structure and function are either unavailable or do not agree on the potential impact of this missense change (SIFT: "Tolerated"; PolyPhen-2: "Possibly Damaging"; Align-GVGD: "Class C15"). In summary, the available evidence is currently insufficient to determine the role of this variant in disease. Therefore, it has been classified as a Variant of Uncertain Significance.